The following is an entry in ClinVar:

NM_001852.4(COL9A2):c.1834G>T (p.Gly612Trp)

Gene: COL9A2 (collagen type IX alpha 2 chain; minus strand). Cytogenetic location: 1p34.2.
Variant type: single nucleotide variant.
Coding change: c.1834G>T on transcript NM_001852.4 (MANE Select); coding-DNA position 1834, G replaced by T.
Protein change: p.Gly612Trp; replaces glycine 612 with tryptophan.
Molecular consequence: missense variant.
Genome position (GRCh38, 1-based): chr1:40,301,848, C>A on the plus strand (G>T on the coding strand, the complement: COL9A2 is on the minus strand). VCF-style: chr1-40301848-C-A. GRCh37 (hg19) VCF-style: chr1-40767520-C-A.
Other names: short protein forms G612W.
Identifiers: ClinVar variation 4695344 (VCV004695344.1).

ClinVar aggregate classification (germline): Uncertain significance (1 of 4 stars; one submission).

gnomAD v4.1: 2 of 1,614,010 alleles (0.00012%); no homozygotes.

Submission:

Labcorp Genetics (formerly Invitae), Labcorp
Classification: Uncertain significance. Last evaluated: 2025-03-31. Review status: criteria provided, single submitter. Criteria: Invitae Variant Classification Sherloc (09022015). Collection method: clinical testing. Allele origin: germline.
Comment: This sequence change replaces glycine, which is neutral and non-polar, with tryptophan, which is neutral and slightly polar, at codon 612 of the COL9A2 protein (p.Gly612Trp). This variant is not present in population databases (gnomAD no frequency). This variant has not been reported in the literature in individuals affected with COL9A2-related conditions. Invitae Evidence Modeling of protein sequence and biophysical properties (such as structural, functional, and spatial information, amino acid conservation, physicochemical variation, residue mobility, and thermodynamic stability) indicates that this missense variant is expected to disrupt COL9A2 protein function with a positive predictive value of 95%. In summary, the available evidence is currently insufficient to determine the role of this variant in disease. Therefore, it has been classified as a Variant of Uncertain Significance.